The following is an entry in ClinVar:

NM_001369.3(DNAH5):c.11578_11580delinsTATTCACC (p.Lys3860fs)

Gene: DNAH5 (dynein axonemal heavy chain 5; minus strand). Cytogenetic location: 5p15.2.
Variant type: Indel.
Coding change: c.11578_11580delinsTATTCACC on transcript NM_001369.3 (MANE Select); coding-DNA positions 11578 to 11580, AAG replaced by TATTCACC.
Protein change: p.Lys3860fs; shifts the reading frame from lysine 3860.
Molecular consequence: frameshift variant.
Genome position (GRCh38, 1-based): chr5:13,735,312-13,735,314, CTT replaced by GGTGAATA on the plus strand (AAG replaced by TATTCACC on the coding strand, the reverse complement: DNAH5 is on the minus strand). VCF-style: chr5-13735312-CTT-GGTGAATA. GRCh37 (hg19) VCF-style: chr5-13735421-CTT-GGTGAATA.
Other names: short protein forms K3860fs.
Identifiers: ClinVar variation 4814853 (VCV004814853.1).
Genomic context (GRCh38, chr5:13,735,312, plus strand): 5'-ATAAACCTCGTAGGTCATGTGCTCGATGATATTAGCAATCCTCTTGCTTGTAATCGGGCT[CTT>GGTGAATA]GACAGACCTGGTGAATAGAATATTTAAATCAGGCTTATCCCACTGCCCTTTTCAATTGTC-3'

ClinVar aggregate classification (germline): Likely pathogenic (1 of 4 stars; one submission).

Conditions:
Primary ciliary dyskinesia. Also called: Ciliary dyskinesia. Identifiers: Orphanet 244, MedGen C0008780, MONDO:0016575, HP:0012265.

Submission:

Natera, Inc.
Classification: Likely pathogenic for Primary ciliary dyskinesia. Last evaluated: 2025-05-29. Review status: criteria provided, single submitter. Criteria: Natera Variant Classification Schema (03/2026). Collection method: clinical testing. Allele origin: germline.
Comment: The c.11578_11580delinsTATTCACC variant in DNAH5 is a frameshift variant predicted to shift the reading frame beginning at codon 3860 and leads to a stop codon 18 codons downstream. This variant is expected to result in nonsense mediated decay, truncation, or a dysfunctional protein product. This variant is rare in the general population with a frequency below the threshold expected for the associated phenotype(s). Given the available evidence, this variant is classified as Likely Pathogenic.